The following is an entry in ClinVar:

NM_002976.4(SCN7A):c.3939G>A (p.Ala1313=)

Gene: SCN7A (sodium voltage-gated channel alpha subunit 7; minus strand). Cytogenetic location: 2q24.3.
Variant type: single nucleotide variant.
Coding change: c.3939G>A on transcript NM_002976.4 (MANE Select); coding-DNA position 3939, G replaced by A.
Protein change: p.Ala1313=; no amino-acid change (alanine 1313 retained).
Molecular consequence: synonymous variant. On other transcripts: non-coding transcript variant (1).
Genome position (GRCh38, 1-based): chr2:166,409,708, C>T on the plus strand (G>A on the coding strand, the complement: SCN7A is on the minus strand). VCF-style: chr2-166409708-C-T. GRCh37 (hg19) VCF-style: chr2-167266218-C-T.
Identifiers: ClinVar variation 715627 (VCV000715627.28), dbSNP rs35864629, ClinGen allele CA1945152.

ClinVar aggregate classification (germline): Benign/Likely benign. Review status: criteria provided, multiple submitters, no conflicts (2 of 4 stars). 2 submissions from 2 submitters: Benign (1); Likely benign (1). Last evaluated 2023-02-01.

Allele frequency attached by ClinVar (database versions not stated): 1000 Genomes Project 0.00040; 1000 Genomes Project 30x 0.00062; TOPMed 0.00154; ESP Exome Variant Server 0.00196; gnomAD 0.00226.
gnomAD v4.1: 4,378 of 1,539,586 alleles (0.28%); highest among the groups gnomAD compares: Non-Finnish European, 0.35%; 5 homozygotes.

Submissions (2):

CeGaT Center for Human Genetics Tuebingen
Classification: Likely benign. Last evaluated: 2023-02-01. Review status: criteria provided, single submitter. Criteria: CeGaT Center For Human Genetics Tuebingen Variant Classification Criteria Version 2. Collection method: clinical testing. Allele origin: germline. Affected: yes. Observed: 2 variant alleles.
Comment: SCN7A: BP4, BP7

Labcorp Genetics (formerly Invitae), Labcorp
Classification: Benign. Last evaluated: 2019-12-31. Review status: criteria provided, single submitter. Criteria: Invitae Variant Classification Sherloc (09022015). Collection method: clinical testing. Allele origin: germline.